The following is an entry in ClinVar:

ClinVar aggregate classification (germline): Uncertain significance (1 of 4 stars; one submission).

gnomAD v4.1: 18 of 1,613,942 alleles (0.0011%); highest among the groups gnomAD compares: East Asian, 0.0022%; no homozygotes.

Submission:

Women's Health and Genetics/Laboratory Corporation of America, LabCorp
Classification: Uncertain significance. Last evaluated: 2024-10-23. Review status: criteria provided, single submitter. Criteria: LabCorp Variant Classification Summary - May 2015. Collection method: clinical testing. Allele origin: germline.
Comment: Variant summary: HPD c.656C>T (p.Thr219Met) results in a non-conservative amino acid change in the encoded protein sequence. Five of five in-silico tools predict a damaging effect of the variant on protein function. The variant allele was found at a frequency of 2.8e-05 in 251492 control chromosomes. The available data on variant occurrences in the general population are insufficient to allow any conclusion about variant significance. c.656C>T has been reported in the literature in one individual affected with Tyrosinemia Type 3 (example, Han_2024). These data do not allow any conclusion about variant significance. To our knowledge, no experimental evidence demonstrating an impact on protein function has been reported. The following publication has been ascertained in the context of this evaluation (PMID: 37817461).No submitters have cited clinical-significance assessments for this variant to ClinVar. Based on the evidence outlined above, the variant was classified as uncertain significance.

Literature cited by the submitters: PubMed 37817461.

NM_002150.3(HPD):c.656C>T (p.Thr219Met)

Genes: HPD (4-hydroxyphenylpyruvate dioxygenase; minus strand), TIALD (transcript inducer of AURKA lysosomal degradation; plus strand). Cytogenetic location: 12q24.31.
Variant type: single nucleotide variant.
Coding change: c.656C>T on transcript NM_002150.3 (MANE Select); coding-DNA position 656, C replaced by T.
Protein change: p.Thr219Met; replaces threonine 219 with methionine.
Molecular consequence: missense variant.
Genome position (GRCh38, 1-based): chr12:121,847,155, G>A on the plus strand (C>T on the coding strand, the complement: HPD is on the minus strand). VCF-style: chr12-121847155-G-A. GRCh37 (hg19) VCF-style: chr12-122285061-G-A.
Other names: c.539C>T, p.Thr180Met (NM_001171993.2); short protein forms T180M, T219M.
Identifiers: ClinVar variation 3385119 (VCV003385119.1).
Genomic context (GRCh38, chr12:121,847,155, plus strand): 5'-GGCATCTTGATGGACTCTTCATAGTTGGCCACCACAATGGATCGCAGAGAGCTATATTCC[G>A]TGTGCACCTGCGTGTCATCCACGGACCAGAAGCGGTGGAACTGCAGGTTTTTCAGGTACC-3'
Protein context (NP_002141.2, residues 209-229): FWSVDDTQVH[Thr219Met]EYSSLRSIVV